The following is an entry in ClinVar:

ClinVar aggregate classification (germline): Likely pathogenic (1 of 4 stars; one submission).

Conditions:
LAMA2-related muscular dystrophy (LAMA2-RD). Also called: Laminin alpha 2-related dystrophy. Identifiers: MedGen C5679788, MONDO:0100228.

Submission:

Myriad Genetics, Inc.
Classification: Likely pathogenic for LAMA2-related muscular dystrophy. Last evaluated: 2022-03-28. Review status: criteria provided, single submitter. Criteria: Myriad Autosomal Dominant, Autosomal Recessive and X-Linked Classification Criteria (2023). Collection method: clinical testing. Allele origin: unknown.
Comment: NM_000426.3(LAMA2):c.7621_7622insTA(P2541Lfs*7) is expected to be pathogenic in the context of muscular dystrophy, LAMA2-related. This variant is predicted to lead to an abnormal or absent protein product due to the creation of a premature termination codon in LAMA2, a gene where loss-of-function variants are known to be pathogenic. Please note: this variant was assessed in the context of healthy population screening.

NM_000426.4(LAMA2):c.7621_7622insTA (p.Pro2541fs)

Gene: LAMA2 (laminin subunit alpha 2; plus strand). Cytogenetic location: 6q22.33.
Variant type: Insertion.
Coding change: c.7621_7622insTA on transcript NM_000426.4 (MANE Select); coding-DNA positions 7621 to 7622, TA inserted.
Protein change: p.Pro2541fs; shifts the reading frame from proline 2541.
Molecular consequence: frameshift variant.
Genome position: GRCh38 VCF-style: chr6-129481311-C-CTA. GRCh37 (hg19) VCF-style: chr6-129802456-C-CTA.
Other names: c.7609_7610insTA, p.Pro2537fs (NM_001079823.2); short protein forms P2537fs, P2541fs.
Identifiers: ClinVar variation 1725484 (VCV001725484.3), dbSNP rs2533477868, ClinGen allele CA2580075132.